The following is an entry in ClinVar:

ClinVar aggregate classification (germline): Conflicting classifications of pathogenicity. Review status: criteria provided, conflicting classifications (1 of 4 stars). 10 submissions from 10 submitters: Uncertain significance (7); Likely benign (2). 1 of the submissions does not count toward it. Last evaluated 2025-12-24.

Conditions:
ATM-related disorder. Also called: ATM-related disorders; ATM-related condition.
Hereditary cancer-predisposing syndrome. Also called: Tumor predisposition; Hereditary neoplastic syndrome; Hereditary Cancer Syndrome; Neoplastic Syndromes, Hereditary. Identifiers: Orphanet 140162, MedGen C0027672, MeSH D009386, MONDO:0015356.
Familial cancer of breast. Also called: Hereditary breast cancer; hereditary breast carcinoma; BREAST CANCER, FAMILIAL. Identifiers: Orphanet 227535, MedGen C0346153, MONDO:0016419, OMIM 114480. Disease mechanism: loss of function.
Ataxia-telangiectasia syndrome (AT). Also called: ATAXIA-TELANGIECTASIA, COMPLEMENTATION GROUP A; ATAXIA-TELANGIECTASIA, FRESNO VARIANT; Ataxia-telangiectasia; Ataxia-telangiectasia, complementation group D; AT, COMPLEMENTATION GROUP C; Ataxia-telangiectasia, complementation group E. Identifiers: Orphanet 100, MedGen C0004135, MONDO:0008840, OMIM 208900.

Allele frequency attached by ClinVar (database versions not stated): TOPMed 0.00004.
gnomAD v4.1: 37 of 1,613,940 alleles (0.0023%); highest among the groups gnomAD compares: Middle Eastern, 0.016%; no homozygotes.

Submissions (10):

Labcorp Genetics (formerly Invitae), Labcorp
Classification: Uncertain significance for Ataxia-telangiectasia syndrome. Last evaluated: 2025-12-24. Review status: criteria provided, single submitter. Criteria: Invitae Variant Classification Sherloc (09022015). Collection method: clinical testing. Allele origin: germline.
Comment: This sequence change replaces glycine, which is neutral and non-polar, with glutamic acid, which is acidic and polar, at codon 844 of the ATM protein (p.Gly844Glu). This variant is present in population databases (rs587781808, gnomAD 0.004%). This missense change has been observed in individual(s) with ATM-related cancers (PMID: 32383162). ClinVar contains an entry for this variant (Variation ID: 141514). Invitae Evidence Modeling of protein sequence and biophysical properties (such as structural, functional, and spatial information, amino acid conservation, physicochemical variation, residue mobility, and thermodynamic stability) indicates that this missense variant is not expected to disrupt ATM protein function with a negative predictive value of 95%. In summary, the available evidence is currently insufficient to determine the role of this variant in disease. Therefore, it has been classified as a Variant of Uncertain Significance.

PreventionGenetics, part of Exact Sciences
Classification: Uncertain significance for ATM-related condition. Last evaluated: 2025-10-02. Review status: criteria provided, single submitter. Criteria: ACMG Guidelines, 2015. Collection method: clinical testing. Allele origin: germline.
Comment: The ATM c.2531G>A variant is predicted to result in the amino acid substitution p.Gly844Glu. This variant has been reported in individuals with breast cancer, in an individual with epithelioid hemangioma, and in a hepatic carcinoma specimen (Subramaniam et al. 2018. PubMed ID: 29206716; Table S2, Hauke et al. 2018. PubMed ID: 29522266; Table S5, Decker et al. 2017. PubMed ID: 28779002; Hilbers et al. 2020. PubMed ID: 32383162; Howell et al. 2019. PubMed ID: 31173963). This variant is reported in 0.0035% of alleles in individuals of European (Non-Finnish) descent in gnomAD and has conflicting interpretations regarding its pathogenicity in ClinVar, ranging from likely benign to uncertain (Variation ID: 141514). At this time, the clinical significance of this variant is uncertain due to the absence of conclusive functional and genetic evidence.

Women's Health and Genetics/Laboratory Corporation of America, LabCorp
Classification: Uncertain significance. Last evaluated: 2025-01-13. Review status: criteria provided, single submitter. Criteria: LabCorp Variant Classification Summary - May 2015. Collection method: clinical testing. Allele origin: germline.
Comment: Variant summary: ATM c.2531G>A (p.Gly844Glu) results in a non-conservative amino acid change in the encoded protein sequence. Four of five in-silico tools predict a benign effect of the variant on protein function. The variant allele was found at a frequency of 1.6e-05 in 251404 control chromosomes. The available data on variant occurrences in the general population are insufficient to allow any conclusion about variant significance. c.2531G>A has been reported in the literature in individuals affected with breast cancer without strong evidnce for causality (example: Hilbers_2020). These report(s) do not provide unequivocal conclusions about association of the variant with Prostate Cancer. To our knowledge, no experimental evidence demonstrating an impact on protein function has been reported. The following publication has been ascertained in the context of this evaluation (PMID: 32383162). ClinVar contains an entry for this variant (Variation ID: 141514). Based on the evidence outlined above, the variant was classified as uncertain significance.

Color Diagnostics, LLC DBA Color Health
Classification: Likely benign for Hereditary cancer-predisposing syndrome. Last evaluated: 2024-09-19. Review status: criteria provided, single submitter. Criteria: ACMG Guidelines, 2015. Collection method: clinical testing. Allele origin: germline.

Baylor Genetics
Classification: Uncertain significance for Familial cancer of breast. Last evaluated: 2024-02-01. Review status: criteria provided, single submitter. Criteria: ACMG Guidelines, 2015. Collection method: clinical testing. Allele origin: unknown.

GeneDx
Classification: Uncertain significance. Last evaluated: 2023-03-21. Review status: criteria provided, single submitter. Criteria: GeneDx Variant Classification Process June 2021. Collection method: clinical testing. Allele origin: germline. Affected: yes.
Comment: Not observed at significant frequency in large population cohorts (gnomAD); In silico analysis supports that this missense variant does not alter protein structure/function; This variant is associated with the following publications: (PMID: 32383162, 31173963, 28779002, 29522266, 29206716)

CeGaT Center for Human Genetics Tuebingen
Classification: Uncertain significance. Last evaluated: 2022-05-01. Review status: criteria provided, single submitter. Criteria: CeGaT Center For Human Genetics Tuebingen Variant Classification Criteria Version 2. Collection method: clinical testing. Allele origin: germline. Affected: yes. Observed: 1 variant allele.
Comment: ATM: PM2, BP4

MGZ Medical Genetics Center
Classification: Uncertain significance for Familial cancer of breast. Last evaluated: 2021-12-09. Review status: criteria provided, single submitter. Criteria: ACMG Guidelines, 2015. Collection method: clinical testing. Allele origin: germline. Affected: yes. Observed: 1 variant allele.
Comment: ACMG criteria applied: PM2_SUP, BP4

Ambry Genetics
Classification: Likely benign for Hereditary cancer-predisposing syndrome. Last evaluated: 2019-05-04. Review status: criteria provided, single submitter. Criteria: Ambry Variant Classification Scheme 2023. Collection method: clinical testing. Allele origin: germline.

Counsyl
Classification: Uncertain significance for Ataxia-telangiectasia syndrome. Last evaluated: 2017-07-19. Review status: no assertion criteria provided. Collection method: clinical testing. Allele origin: unknown. Not counted in ClinVar's aggregate classification.

Literature cited by the submitters: PubMed 32383162 (cited by Labcorp Genetics (formerly Invitae), Labcorp and Women's Health and Genetics/Laboratory Corporation of America, LabCorp).

NM_000051.4(ATM):c.2531G>A (p.Gly844Glu)

Gene: ATM (ATM serine/threonine kinase; plus strand). Cytogenetic location: 11q22.3.
Variant type: single nucleotide variant.
Coding change: c.2531G>A on transcript NM_000051.4 (MANE Select); coding-DNA position 2531, G replaced by A.
Protein change: p.Gly844Glu; replaces glycine 844 with glutamic acid.
Molecular consequence: missense variant.
Genome position (GRCh38, 1-based): chr11:108,267,235, G>A. VCF-style: chr11-108267235-G-A. GRCh37 (hg19) VCF-style: chr11-108137962-G-A.
Other names: p.G844E:GGA>GAA; c.2531G>A, p.Gly844Glu (NM_001351834.2); short protein forms G844E.
Identifiers: ClinVar variation 141514 (VCV000141514.53), dbSNP rs587781808, ClinGen allele CA294150.
Genomic context (GRCh38, chr11:108,267,235, plus strand): 5'-CCTTCATCAAAAAGCCATTTGACCGTGGAGAAGTAGAATCAATGGAAGATGATACTAATG[G>A]AAATCTAATGGAGGTGGAGGATCAGTCATCCATGAATCTATTTAACGATTACCCTGATAG-3'
Protein context (NP_000042.3, residues 834-854): EVESMEDDTN[Gly844Glu]NLMEVEDQSS